The following is an entry in ClinVar:

NM_001142800.2(EYS):c.7346A>T (p.Gln2449Leu)

Gene: EYS (EGF-like photoreceptor maintenance factor; minus strand). Cytogenetic location: 6q12.
Variant type: single nucleotide variant.
Coding change: c.7346A>T on transcript NM_001142800.2 (MANE Select); coding-DNA position 7346, A replaced by T.
Protein change: p.Gln2449Leu; replaces glutamine 2449 with leucine.
Molecular consequence: missense variant.
Genome position (GRCh38, 1-based): chr6:63,806,255, T>A on the plus strand (A>T on the coding strand, the complement: EYS is on the minus strand). VCF-style: chr6-63806255-T-A. GRCh37 (hg19) VCF-style: chr6-64516148-T-A.
Other names: c.7346A>T, p.Gln2449Leu (NM_001292009.2); c.7346A>T (NM_001142800.1); short protein forms Q2449L.
Identifiers: ClinVar variation 1364882 (VCV001364882.8), dbSNP rs2149678948, ClinGen allele CA364387691.

ClinVar aggregate classification (germline): Uncertain significance. Review status: criteria provided, multiple submitters, no conflicts (2 of 4 stars). 4 submissions from 4 submitters: Uncertain significance (3). 1 of the submissions does not count toward it. Last evaluated 2025-05-19.

Conditions:
EYS-related disorder. Also called: EYS-related condition.
Inborn genetic diseases. Identifiers: MedGen C0950123, MeSH D030342.

Submissions (4):

Ambry Genetics
Classification: Uncertain significance for Inborn genetic diseases. Last evaluated: 2025-05-19. Review status: criteria provided, single submitter. Criteria: Ambry Variant Classification Scheme 2023. Collection method: clinical testing. Allele origin: germline.

Blueprint Genetics
Classification: Uncertain significance. Last evaluated: 2023-07-18. Review status: criteria provided, single submitter. Criteria: ACMG Guidelines, 2015. Collection method: clinical testing. Allele origin: germline.

Labcorp Genetics (formerly Invitae), Labcorp
Classification: Uncertain significance. Last evaluated: 2021-09-01. Review status: criteria provided, single submitter. Criteria: Invitae Variant Classification Sherloc (09022015). Collection method: clinical testing. Allele origin: germline.
Comment: This sequence change replaces glutamine with leucine at codon 2449 of the EYS protein (p.Gln2449Leu). The glutamine residue is moderately conserved and there is a moderate physicochemical difference between glutamine and leucine. This variant is not present in population databases (ExAC no frequency). This variant has not been reported in the literature in individuals affected with EYS-related conditions. Algorithms developed to predict the effect of missense changes on protein structure and function are either unavailable or do not agree on the potential impact of this missense change (SIFT: "Tolerated"; PolyPhen-2: "Possibly Damaging"; Align-GVGD: "Class C0"). In summary, the available evidence is currently insufficient to determine the role of this variant in disease. Therefore, it has been classified as a Variant of Uncertain Significance.

PreventionGenetics, part of Exact Sciences
Classification: Uncertain significance for EYS-related condition. Last evaluated: 2024-09-05. Review status: no assertion criteria provided. Collection method: clinical testing. Allele origin: germline. Not counted in ClinVar's aggregate classification.
Comment: The EYS c.7346A>T variant is predicted to result in the amino acid substitution p.Gln2449Leu. To our knowledge, this variant has not been reported in the literature or in a large population database, indicating this variant is rare. At this time, the clinical significance of this variant is uncertain due to the absence of conclusive functional and genetic evidence.